The following is an entry in ClinVar:

NC_012920.1(MT-ATP8):m.8545G>A

Genes: MT-ATP6 (mitochondrially encoded ATP synthase 6; plus strand), MT-ATP8 (mitochondrially encoded ATP synthase 8; plus strand).
Variant type: single nucleotide variant.
Genome position: chrM-8545-G-A.
Identifiers: ClinVar variation 692893 (VCV000692893.1), dbSNP rs1603221578, ClinGen allele CA414796605.

ClinVar aggregate classification (germline): Benign (1 of 4 stars; one submission).

Conditions:
Leigh syndrome (NULS). Also called: Leigh's necrotizing encephalopathy; Leigh's disease; Leigh Syndrome (mtDNA deletion); Leigh Disease; Subacute necrotizing encephalopathy; Necrotizing encephalopathy infantile subacute of Leigh. Identifiers: Orphanet 506, MedGen C2931891, MONDO:0009723, OMIM 256000.

Submission:

Wong Mito Lab, Molecular and Human Genetics, Baylor College of Medicine
Classification: Benign for Leigh syndrome. Last evaluated: 2019-10-17. Review status: criteria provided, single submitter. Criteria: Modified ACMG Guidelines (Unpublished). Collection method: clinical testing. Allele origin: germline.
Comment: The NC_012920.1:m.8545G>A (YP_003024031.1:p.Ala7Thr) variant in MTATP6 gene is interpretated to be a Benign variant based on the modified ACMG guidelines (unpublished). This variant meets the following evidence codes: BS1, BS2